The following is an entry in ClinVar:

ClinVar aggregate classification (germline): Uncertain significance (1 of 4 stars; one submission).

Submission:

Labcorp Genetics (formerly Invitae), Labcorp
Classification: Uncertain significance. Last evaluated: 2025-08-25. Review status: criteria provided, single submitter. Criteria: Invitae Variant Classification Sherloc (09022015). Collection method: clinical testing. Allele origin: germline.
Comment: This sequence change replaces histidine, which is basic and polar, with tyrosine, which is neutral and polar, at codon 274 of the ARHGEF18 protein (p.His274Tyr). This variant is present in population databases (rs757848003, gnomAD 0.003%). This variant has not been reported in the literature in individuals affected with ARHGEF18-related conditions. An algorithm developed to predict the effect of missense changes on protein structure and function (PolyPhen-2) suggests that this variant is likely to be disruptive. In summary, the available evidence is currently insufficient to determine the role of this variant in disease. Therefore, it has been classified as a Variant of Uncertain Significance.

NM_001367823.1(ARHGEF18):c.1384C>T (p.His462Tyr)

Gene: ARHGEF18 (Rho/Rac guanine nucleotide exchange factor 18; plus strand). Cytogenetic location: 19p13.2.
Variant type: single nucleotide variant.
Coding change: c.1384C>T on transcript NM_001367823.1 (MANE Select); coding-DNA position 1384, C replaced by T.
Protein change: p.His462Tyr; replaces histidine 462 with tyrosine.
Molecular consequence: missense variant.
Genome position (GRCh38, 1-based): chr19:7,444,227, C>T. VCF-style: chr19-7444227-C-T. GRCh37 (hg19) VCF-style: chr19-7509113-C-T.
Other names: c.658C>T, p.His220Tyr (NM_001130955.2); c.346C>T, p.His116Tyr (NM_001367824.1, NM_015318.4); short protein forms H116Y, H462Y, H220Y.
Identifiers: ClinVar variation 4726026 (VCV004726026.1).